The following is an entry in ClinVar:

NM_020975.6(RET):c.3305C>T (p.Ser1102Leu)

Gene: RET (ret proto-oncogene; plus strand). Cytogenetic location: 10q11.21.
Variant type: single nucleotide variant.
Coding change: c.3305C>T on transcript NM_020975.6 (MANE Select); coding-DNA position 3305, C replaced by T.
Protein change: p.Ser1102Leu; replaces serine 1102 with leucine.
Molecular consequence: missense variant.
Genome position (GRCh38, 1-based): chr10:43,128,229, C>T. VCF-style: chr10-43128229-C-T. GRCh37 (hg19) VCF-style: chr10-43623677-C-T.
Other names: short protein forms S1102L.
Identifiers: ClinVar variation 1004869 (VCV001004869.7), dbSNP rs773306778, ClinGen allele CA055049.
Genomic context (GRCh38, chr10:43,128,229, plus strand): 5'-GCACTAACACTGGGTTTCCAAGATATCCAAATGATAGTGTATATGCTAACTGGATGCTTT[C>T]ACCCTCAGCGGCAAAATTAATGGACACGTTTGATAGTTAACATTTCTTTGTGAAAGGTAA-3'
Protein context (NP_066124.1, residues 1092-1112): NDSVYANWML[Ser1102Leu]PSAAKLMDTF

ClinVar aggregate classification (germline): Uncertain significance (1 of 4 stars; one submission).

Conditions:
Multiple endocrine neoplasia, type 2 (MEN2). Identifiers: Orphanet 653, MedGen C4048306, MONDO:0019003. Disease mechanism: gain of function.

Allele frequency attached by ClinVar (database versions not stated): gnomAD exomes below 0.00001; ExAC 0.00001.

Submission:

Labcorp Genetics (formerly Invitae), Labcorp
Classification: Uncertain significance for Multiple endocrine neoplasia, type 2. Last evaluated: 2024-02-24. Review status: criteria provided, single submitter. Criteria: Invitae Variant Classification Sherloc (09022015). Collection method: clinical testing. Allele origin: germline.
Comment: This sequence change replaces serine, which is neutral and polar, with leucine, which is neutral and non-polar, at codon 1102 of the RET protein (p.Ser1102Leu). This variant is present in population databases (rs773306778, gnomAD 0.006%). This variant has not been reported in the literature in individuals affected with RET-related conditions. ClinVar contains an entry for this variant (Variation ID: 1004869). An algorithm developed to predict the effect of missense changes on protein structure and function (PolyPhen-2) suggests that this variant is likely to be disruptive. In summary, the available evidence is currently insufficient to determine the role of this variant in disease. Therefore, it has been classified as a Variant of Uncertain Significance.